The following is an entry in ClinVar:

ClinVar aggregate classification (germline): Uncertain significance (1 of 4 stars; one submission).

Submission:

Labcorp Genetics (formerly Invitae), Labcorp
Classification: Uncertain significance. Last evaluated: 2022-04-29. Review status: criteria provided, single submitter. Criteria: Invitae Variant Classification Sherloc (09022015). Collection method: clinical testing. Allele origin: germline.
Comment: Algorithms developed to predict the effect of missense changes on protein structure and function are either unavailable or do not agree on the potential impact of this missense change (SIFT: "Deleterious"; PolyPhen-2: "Probably Damaging"; Align-GVGD: "Class C15"). In summary, the available evidence is currently insufficient to determine the role of this variant in disease. Therefore, it has been classified as a Variant of Uncertain Significance. This variant has not been reported in the literature in individuals affected with EFL1-related conditions. This variant is not present in population databases (gnomAD no frequency). This sequence change replaces proline, which is neutral and non-polar, with arginine, which is basic and polar, at codon 700 of the EFL1 protein (p.Pro700Arg).

NM_024580.6(EFL1):c.2099C>G (p.Pro700Arg)

Gene: EFL1 (elongation factor like GTPase 1; minus strand). Cytogenetic location: 15q25.2.
Variant type: single nucleotide variant.
Coding change: c.2099C>G on transcript NM_024580.6 (MANE Select); coding-DNA position 2099, C replaced by G.
Protein change: p.Pro700Arg; replaces proline 700 with arginine.
Molecular consequence: missense variant. On other transcripts: non-coding transcript variant (1).
Genome position (GRCh38, 1-based): chr15:82,152,355, G>C on the plus strand (C>G on the coding strand, the complement: EFL1 is on the minus strand). VCF-style: chr15-82152355-G-C. GRCh37 (hg19) VCF-style: chr15-82444696-G-C.
Other names: c.1946C>G, p.Pro649Arg (NM_001040610.3); c.1310C>G, p.Pro437Arg (NM_001322844.2); c.2099C>G, p.Pro700Arg (NM_001322845.2); short protein forms P437R, P649R, P700R.
Identifiers: ClinVar variation 2127754 (VCV002127754.4), dbSNP rs2505311780, ClinGen allele CA393289037.
Genomic context (GRCh38, chr15:82,152,355, plus strand): 5'-TGGTGTATGACTGCAACTTTTTGCTGTTTGCCTATTTCTTCATTGACCATGTCAACTTTT[G>C]GGGGTTTTGTGATTGTTTCTCTGAATGGAATAATAGGTTCAGATACACTGATATGAATCT-3'
Protein context (NP_078856.4, residues 690-710): IPFRETITKP[Pro700Arg]KVDMVNEEIG